The following is an entry in ClinVar:

NM_004525.3(LRP2):c.4386C>T (p.Val1462=)

Gene: LRP2 (LDL receptor related protein 2; minus strand). Cytogenetic location: 2q31.1.
Variant type: single nucleotide variant.
Coding change: c.4386C>T on transcript NM_004525.3 (MANE Select); coding-DNA position 4386, C replaced by T.
Protein change: p.Val1462=; no amino-acid change (valine 1462 retained).
Molecular consequence: synonymous variant.
Genome position (GRCh38, 1-based): chr2:169,238,211, G>A on the plus strand (C>T on the coding strand, the complement: LRP2 is on the minus strand). VCF-style: chr2-169238211-G-A. GRCh37 (hg19) VCF-style: chr2-170094721-G-A.
Other names: c.4386C>T (NM_004525.2).
Identifiers: ClinVar variation 1575055 (VCV001575055.10), dbSNP rs201948239, ClinGen allele CA1954814.

ClinVar aggregate classification (germline): Likely benign. Review status: criteria provided, multiple submitters, no conflicts (2 of 4 stars). 3 submissions from 3 submitters: Likely benign (3). Last evaluated 2026-01-25.

Conditions:
LRP2-related disorder. Also called: LRP2-related condition.

Allele frequency attached by ClinVar (database versions not stated): 1000 Genomes Project 0.00020; gnomAD exomes 0.00020; 1000 Genomes Project 30x 0.00031.
gnomAD v4.1: 61 of 1,614,024 alleles (0.0038%); highest among the groups gnomAD compares: Admixed American, 0.09%; no homozygotes.

Submissions (3):

Labcorp Genetics (formerly Invitae), Labcorp
Classification: Likely benign. Last evaluated: 2026-01-25. Review status: criteria provided, single submitter. Criteria: Invitae Variant Classification Sherloc (09022015). Collection method: clinical testing. Allele origin: germline.

PreventionGenetics, part of Exact Sciences
Classification: Likely benign for LRP2-related condition. Last evaluated: 2024-10-25. Review status: criteria provided, single submitter. Criteria: ACMG Guidelines, 2015. Collection method: clinical testing. Allele origin: germline.
Comment: This variant is classified as likely benign based on ACMG/AMP sequence variant interpretation guidelines (Richards et al. 2015 PMID: 25741868, with internal and published modifications).

Blueprint Genetics
Classification: Likely benign. Last evaluated: 2023-10-23. Review status: criteria provided, single submitter. Criteria: ACMG Guidelines, 2015. Collection method: clinical testing. Allele origin: germline.